The following is an entry in ClinVar:

NM_004006.3(DMD):c.9730A>C (p.Ile3244Leu)

Gene: DMD (dystrophin; minus strand). Cytogenetic location: Xp21.2.
Variant type: single nucleotide variant.
Coding change: c.9730A>C on transcript NM_004006.3 (MANE Select); coding-DNA position 9730, A replaced by C.
Protein change: p.Ile3244Leu; replaces isoleucine 3244 with leucine.
Molecular consequence: missense variant.
Genome position (GRCh38, 1-based): chrX:31,204,038, T>G on the plus strand (A>C on the coding strand, the complement: DMD is on the minus strand). VCF-style: chrX-31204038-T-G. GRCh37 (hg19) VCF-style: chrX-31222155-T-G.
Other names: c.9706A>C, p.Ile3236Leu (NM_000109.4); c.9718A>C, p.Ile3240Leu (NM_004009.3); c.9361A>C, p.Ile3121Leu (NM_004010.3); c.5707A>C, p.Ile1903Leu (NM_004011.4); c.5698A>C, p.Ile1900Leu (NM_004012.4); c.2350A>C, p.Ile784Leu (NM_004013.3, NM_004020.4, NM_004021.3 and 2 more transcripts); c.1543A>C, p.Ile515Leu (NM_004014.3); c.526A>C, p.Ile176Leu (NM_004015.3, NM_004016.3, NM_004017.3 and 2 more transcripts); short protein forms I3121L, I3240L, I784L, I176L, I1900L, I1903L, I3236L, I3244L.
Identifiers: ClinVar variation 2202480 (VCV002202480.2), dbSNP rs2043798013, ClinGen allele CA412648575.
Genomic context (GRCh38, chrX:31,204,038, plus strand): 5'-GGACACTTGGCTCAATGTTACTGCCCCCAAAGGATGCAACTTCACCCAACTGTCTTGGAA[T>G]TTGGATAGAATCATGCAGAAGGAGGCCCAGCCTGCGCTGGTCACAAAATCCTGTTGAACT-3'
Protein context (NP_003997.2, residues 3234-3254): LGLLLHDSIQ[Ile3244Leu]PRQLGEVASF

ClinVar aggregate classification (germline): Uncertain significance. Review status: criteria provided, multiple submitters, no conflicts (2 of 4 stars). 2 submissions from 2 submitters: Uncertain significance (2). Last evaluated 2026-06-10.

Conditions:
Cardiovascular phenotype. Identifiers: MedGen CN230736.
Duchenne muscular dystrophy (DMD). Also called: MUSCULAR DYSTROPHY, PSEUDOHYPERTROPHIC PROGRESSIVE, DUCHENNE TYPE; Duchenne Muscular Dystrophy (DMD). Identifiers: Orphanet 98896, MedGen C0013264, MONDO:0010679, OMIM 310200.

Submissions (2):

Ambry Genetics
Classification: Uncertain significance for Cardiovascular phenotype. Last evaluated: 2026-06-10. Review status: criteria provided, single submitter. Criteria: Ambry Variant Classification Scheme 2023. Collection method: clinical testing. Allele origin: germline.

Labcorp Genetics (formerly Invitae), Labcorp
Classification: Uncertain significance for Duchenne muscular dystrophy. Last evaluated: 2021-08-20. Review status: criteria provided, single submitter. Criteria: Invitae Variant Classification Sherloc (09022015). Collection method: clinical testing. Allele origin: germline.
Comment: This sequence change replaces isoleucine with leucine at codon 3244 of the DMD protein (p.Ile3244Leu). The isoleucine residue is highly conserved and there is a small physicochemical difference between isoleucine and leucine. This variant is not present in population databases (ExAC no frequency). This variant has not been reported in the literature in individuals affected with DMD-related conditions. Algorithms developed to predict the effect of missense changes on protein structure and function (SIFT, PolyPhen-2, Align-GVGD) all suggest that this variant is likely to be tolerated. In summary, the available evidence is currently insufficient to determine the role of this variant in disease. Therefore, it has been classified as a Variant of Uncertain Significance.